The following is an entry in ClinVar:

NM_001256545.2(MEGF10):c.3034A>G (p.Lys1012Glu)

Gene: MEGF10 (multiple EGF like domains 10; plus strand). Cytogenetic location: 5q23.2.
Variant type: single nucleotide variant.
Coding change: c.3034A>G on transcript NM_001256545.2 (MANE Select); coding-DNA position 3034, A replaced by G.
Protein change: p.Lys1012Glu; replaces lysine 1012 with glutamic acid.
Molecular consequence: missense variant.
Genome position (GRCh38, 1-based): chr5:127,455,409, A>G. VCF-style: chr5-127455409-A-G. GRCh37 (hg19) VCF-style: chr5-126791101-A-G.
Other names: c.3034A>G, p.Lys1012Glu (NM_032446.3); short protein forms K1012E.
Identifiers: ClinVar variation 2135963 (VCV002135963.4), dbSNP rs2127045499, ClinGen allele CA360716203.

ClinVar aggregate classification (germline): Uncertain significance (1 of 4 stars; one submission).

Conditions:
MEGF10-related myopathy (CMYO10A). Also called: Congenital myopathy 10A, severe variant. Identifiers: Orphanet 439212, MedGen C3280679, MONDO:0013731, OMIM 614399.

Allele frequency attached by ClinVar (database versions not stated): gnomAD 0.00001.
gnomAD v4.1: 1 of 1,613,830 alleles (0.000062%); highest among the groups gnomAD compares: Middle Eastern, 0.017%; no homozygotes.

Submission:

Labcorp Genetics (formerly Invitae), Labcorp
Classification: Uncertain significance for MEGF10-related myopathy. Last evaluated: 2024-10-29. Review status: criteria provided, single submitter. Criteria: Invitae Variant Classification Sherloc (09022015). Collection method: clinical testing. Allele origin: germline.
Comment: This sequence change replaces lysine, which is basic and polar, with glutamic acid, which is acidic and polar, at codon 1012 of the MEGF10 protein (p.Lys1012Glu). This variant is not present in population databases (gnomAD no frequency). This variant has not been reported in the literature in individuals affected with MEGF10-related conditions. ClinVar contains an entry for this variant (Variation ID: 2135963). An algorithm developed to predict the effect of missense changes on protein structure and function (PolyPhen-2) suggests that this variant is likely to be disruptive. In summary, the available evidence is currently insufficient to determine the role of this variant in disease. Therefore, it has been classified as a Variant of Uncertain Significance.